The following is an entry in ClinVar:

NC_000005.10:g.119584407T>A

Gene: HSD17B4 (hydroxysteroid 17-beta dehydrogenase 4; plus strand). Cytogenetic location: 5q23.1.
Variant type: single nucleotide variant.
Genome position: GRCh38 VCF-style: chr5-119584407-T-A. GRCh37 (hg19) VCF-style: chr5-118920102-T-A.
Identifiers: ClinVar variation 4873261 (VCV004873261.2).

ClinVar aggregate classification (germline): Likely benign (1 of 4 stars; one submission).

Submission:

CeGaT Center for Human Genetics Tuebingen
Classification: Likely benign. Last evaluated: 2026-06-01. Review status: criteria provided, single submitter. Criteria: CeGaT Center For Human Genetics Tuebingen Variant Classification Criteria Version 2. Collection method: clinical testing. Allele origin: germline. Affected: yes. Observed: 1 variant allele.
Comment: HSD17B4: BP4